The following is an entry in ClinVar:

NM_005257.6(GATA6):c.912C>G (p.Gly304=)

Gene: GATA6 (GATA binding protein 6; plus strand). Cytogenetic location: 18q11.2.
Variant type: single nucleotide variant.
Coding change: c.912C>G on transcript NM_005257.6 (MANE Select); coding-DNA position 912, C replaced by G.
Protein change: p.Gly304=; no amino-acid change (glycine 304 retained).
Molecular consequence: synonymous variant.
Genome position (GRCh38, 1-based): chr18:22,172,056, C>G. VCF-style: chr18-22172056-C-G. GRCh37 (hg19) VCF-style: chr18-19752017-C-G.
Identifiers: ClinVar variation 2648616 (VCV002648616.24), dbSNP rs2510626536, ClinGen allele CA503529480.

ClinVar aggregate classification (germline): Likely benign (1 of 4 stars; one submission).

Submission:

CeGaT Center for Human Genetics Tuebingen
Classification: Likely benign. Last evaluated: 2022-07-01. Review status: criteria provided, single submitter. Criteria: CeGaT Center For Human Genetics Tuebingen Variant Classification Criteria Version 2. Collection method: clinical testing. Allele origin: germline. Affected: yes. Observed: 1 variant allele.
Comment: GATA6: PM2:Supporting, BP4, BP7